The following is an entry in ClinVar:

ClinVar aggregate classification (germline): Pathogenic (1 of 4 stars; one submission).

Conditions:
Hereditary cancer-predisposing syndrome. Also called: Neoplastic Syndromes, Hereditary; Tumor predisposition; Hereditary neoplastic syndrome; Hereditary Cancer Syndrome. Identifiers: Orphanet 140162, MedGen C0027672, MeSH D009386, MONDO:0015356.

Submission:

Ambry Genetics
Classification: Pathogenic for Hereditary cancer-predisposing syndrome. Last evaluated: 2023-01-27. Review status: criteria provided, single submitter. Criteria: Ambry Variant Classification Scheme 2023. Collection method: clinical testing. Allele origin: germline.
Comment: The c.8622delA pathogenic mutation, located in coding exon 19 of the BRCA2 gene, results from a deletion of one nucleotide at nucleotide position 8622, causing a translational frameshift with a predicted alternate stop codon (p.E2875Nfs*16). This variant is considered to be rare based on population cohorts in the Genome Aggregation Database (gnomAD). This alteration is expected to result in loss of function by premature protein truncation or nonsense-mediated mRNA decay. As such, this alteration is interpreted as a disease-causing mutation.

NM_000059.4(BRCA2):c.8622del (p.Glu2875fs)

Gene: BRCA2 (BRCA2 DNA repair associated; plus strand). Cytogenetic location: 13q13.1.
Variant type: Deletion.
Coding change: c.8622del on transcript NM_000059.4 (MANE Select); coding-DNA position 8622, one base deleted (A; older notation c.8622delA).
Protein change: p.Glu2875fs; shifts the reading frame from glutamic acid 2875.
Molecular consequence: frameshift variant. On other transcripts: non-coding transcript variant (1).
Genome position (GRCh38, 1-based): chr13:32,371,090, A deleted; the last of 2 consecutive A bases (chr13:32,371,089-32,371,090); deleting either gives the same sequence. VCF-style (leftmost placement, unchanged base first): chr13-32371088-GA-G. GRCh37 (hg19) VCF-style: chr13-32945225-GA-G.
Other names: c.8526del, p.Glu2843fs (NM_001406719.1); c.8622del, p.Glu2875fs (NM_001406720.1); c.3690del, p.Glu1231fs (NM_001406721.1); c.2205del, p.Glu736fs (NM_001406722.1); short protein forms E2843fs, E1231fs, E2875fs, E736fs.
Identifiers: ClinVar variation 2451536 (VCV002451536.2), dbSNP rs2137601092, ClinGen allele CA2580087405.